The following is an entry in ClinVar:

ClinVar aggregate classification (germline): Likely benign. Review status: criteria provided, multiple submitters, no conflicts (2 of 4 stars). 2 submissions from 2 submitters: Likely benign (2). Last evaluated 2024-03-05.

Conditions:
Long QT syndrome (LQTS). Identifiers: MedGen C0023976, MeSH D008133, MONDO:0002442. Disease mechanism: loss of function. Inheritance: Various modes of inheritance.
Cardiac arrhythmia. Also called: Cardiac rhythm disease; Arrhythmia. Identifiers: MedGen C0003811, MONDO:0007263, HP:0011675.

Allele frequency attached by ClinVar (database versions not stated): gnomAD exomes below 0.00001.

Submissions (2):

All of Us Research Program, National Institutes of Health
Classification: Likely benign for Long QT syndrome. Last evaluated: 2024-03-05. Review status: criteria provided, single submitter. Criteria: ACMG Guidelines, 2015. Collection method: clinical testing. Allele origin: germline. Inheritance: Autosomal dominant inheritance. Observed: 1 variant allele, 1 heterozygote.
Comment: This study involves interpretation of variants in research participants for the purpose of population health screening. Participant phenotype was not available at the time of variant classification. Additional details can be found in publication PMID: 35346344, PMCID: PMC8962531

Color Diagnostics, LLC DBA Color Health
Classification: Likely benign for Arrhythmia. Last evaluated: 2019-09-25. Review status: criteria provided, single submitter. Criteria: ACMG Guidelines, 2015. Collection method: clinical testing. Allele origin: germline.

NM_000238.4(KCNH2):c.2049C>T (p.Phe683=)

Gene: KCNH2 (potassium voltage-gated channel subfamily H member 2; minus strand). Cytogenetic location: 7q36.1.
Variant type: single nucleotide variant.
Coding change: c.2049C>T on transcript NM_000238.4 (MANE Select); coding-DNA position 2049, C replaced by T.
Protein change: p.Phe683=; no amino-acid change (phenylalanine 683 retained).
Molecular consequence: synonymous variant. On other transcripts: non-coding transcript variant (2).
Genome position (GRCh38, 1-based): chr7:150,951,017, G>A on the plus strand (C>T on the coding strand, the complement: KCNH2 is on the minus strand). VCF-style: chr7-150951017-G-A. GRCh37 (hg19) VCF-style: chr7-150648105-G-A.
Other names: c.1029C>T, p.Phe343= (NM_001204798.2, NM_172057.3); c.1761C>T, p.Phe587= (NM_001406753.1, NM_001406756.1); c.1872C>T, p.Phe624= (NM_001406755.1); c.1749C>T, p.Phe583= (NM_001406757.1); c.2049C>T, p.Phe683= (NM_172056.3).
Identifiers: ClinVar variation 920487 (VCV000920487.6), dbSNP rs1182045587, ClinGen allele CA458645401.